The following is an entry in ClinVar:

NM_001005242.3(PKP2):c.2013+3G>A

Gene: PKP2 (plakophilin 2; minus strand). Cytogenetic location: 12p11.21.
Variant type: single nucleotide variant.
Coding change: c.2013+3G>A on transcript NM_001005242.3 (MANE Select); 3 bases into the intron after coding-DNA position 2013, G replaced by A.
Molecular consequence: intron variant.
Genome position (GRCh38, 1-based): chr12:32,821,353, C>T on the plus strand (G>A on the coding strand, the complement: PKP2 is on the minus strand). VCF-style: chr12-32821353-C-T. GRCh37 (hg19) VCF-style: chr12-32974287-C-T.
Other names: c.2145+3G>A (NM_004572.4).
Identifiers: ClinVar variation 962467 (VCV000962467.5), dbSNP rs1222272381, ClinGen allele CA946301708.

ClinVar aggregate classification (germline): Uncertain significance. Review status: criteria provided, multiple submitters, no conflicts (2 of 4 stars). 2 submissions from 2 submitters: Uncertain significance (2). Last evaluated 2024-09-30.

Conditions:
Cardiomyopathy (CMYO). Also called: Cardiomyopathies. Identifiers: Orphanet 167848, MedGen C0878544, MONDO:0004994, HP:0001638. Inheritance: Various modes of inheritance.
Arrhythmogenic right ventricular dysplasia 9 (ARVD9). Also called: ARRHYTHMOGENIC RIGHT VENTRICULAR DYSPLASIA, FAMILIAL, 9; Arrhythmogenic Right Ventricular Dysplasia/Cardiomyopathy 9. Identifiers: MedGen C1836906, MONDO:0012180, OMIM 609040.

Allele frequency attached by ClinVar (database versions not stated): gnomAD 0.00001; TOPMed 0.00001.
gnomAD v4.1: 7 of 1,613,336 alleles (0.00043%); highest among the groups gnomAD compares: Non-Finnish European, 0.00059%; no homozygotes.

Submissions (2):

Labcorp Genetics (formerly Invitae), Labcorp
Classification: Uncertain significance for Arrhythmogenic right ventricular dysplasia 9. Last evaluated: 2024-09-30. Review status: criteria provided, single submitter. Criteria: Invitae Variant Classification Sherloc (09022015). Collection method: clinical testing. Allele origin: germline.
Comment: This sequence change falls in intron 10 of the PKP2 gene. It does not directly change the encoded amino acid sequence of the PKP2 protein. It affects a nucleotide within the consensus splice site. This variant is not present in population databases (gnomAD no frequency). This variant has not been reported in the literature in individuals affected with PKP2-related conditions. ClinVar contains an entry for this variant (Variation ID: 962467). Variants that disrupt the consensus splice site are a relatively common cause of aberrant splicing (PMID: 17576681, 9536098). Algorithms developed to predict the effect of sequence changes on RNA splicing suggest that this variant is not likely to affect RNA splicing. In summary, the available evidence is currently insufficient to determine the role of this variant in disease. Therefore, it has been classified as a Variant of Uncertain Significance.

Color Diagnostics, LLC DBA Color Health
Classification: Uncertain significance for Cardiomyopathy. Last evaluated: 2021-03-02. Review status: criteria provided, single submitter. Criteria: ACMG Guidelines, 2015. Collection method: clinical testing. Allele origin: germline.
Comment: This variant causes a G to A nucleotide substitution at the +3 position of intron 10 of the PKP2 gene. Splice prediction tools and conservation analysis are inconclusive regarding the impact of this variant on RNA splicing. To our knowledge, functional studies have not been reported for this variant. This variant has not been reported in individuals affected with cardiovascular disorders in the literature. This variant has not been identified in the general population by the Genome Aggregation Database (gnomAD). The available evidence is insufficient to determine the role of this variant in disease conclusively. Therefore, this variant is classified as a Variant of Uncertain Significance.

Literature cited by the submitters: PubMed 17576681 (cited by Labcorp Genetics (formerly Invitae), Labcorp); PubMed 9536098 (cited by Labcorp Genetics (formerly Invitae), Labcorp).